The following is an entry in ClinVar:

NM_001386393.1(PANK2):c.1383A>G (p.Ter461Trp)

Gene: PANK2 (pantothenate kinase 2; plus strand). Cytogenetic location: 20p13.
Variant type: single nucleotide variant.
Coding change: c.1383A>G on transcript NM_001386393.1 (MANE Select); coding-DNA position 1383, A replaced by G.
Protein change: p.Ter461Trp.
Molecular consequence: stop lost. On other transcripts: non-coding transcript variant (1).
Genome position (GRCh38, 1-based): chr20:3,923,294, A>G. VCF-style: chr20-3923294-A-G. GRCh37 (hg19) VCF-style: chr20-3903941-A-G.
Other names: c.840A>G, p.Ter280Trp (NM_001324191.2, NM_024960.6, NM_153640.4); c.405A>G, p.Ter135Trp (NM_001324193.2); c.1713A>G, p.Ter571Trp (NM_153638.4).
Identifiers: ClinVar variation 2671638 (VCV002671638.1), dbSNP rs2515542113, ClinGen allele CA408123022.

ClinVar aggregate classification (germline): Uncertain significance (1 of 4 stars; one submission).

Conditions:
Pigmentary pallidal degeneration (NBIA1). Also called: Neurodegeneration with brain iron accumulation 1; PKAN NEUROAXONAL DYSTROPHY, JUVENILE-ONSET; Neuroaxonal dystrophy, late infantile; Hallervorden-Spatz disease; HARP SYNDROME; Pantothenate Kinase-Associated Neurodegeneration. Identifiers: Orphanet 157850, MedGen C0018523, MONDO:0009319, OMIM 234200.

Submission:

Neuberg Centre For Genomic Medicine, NCGM
Classification: Uncertain significance for Pigmentary pallidal degeneration. Last evaluated: 2023-02-14. Review status: criteria provided, single submitter. Criteria: ACMG Guidelines, 2015. Collection method: clinical testing. Allele origin: germline. Inheritance: Autosomal recessive inheritance. Affected: yes.
Comment: The stop lost variant c.1383A>G(p.Ter461TrpextTer33) in PANK2 gene has not been reported previously as a pathogenic variant nor as a benign variant, to our knowledge. The variant is novel (not in any individuals) in gnomAD Exomes and 1000 Genomes. The p.Ter461TrpextTer33 variant in the stop codon (Ter/*) at position 461, changing it to a Tryptophan-codon (a no-stop variant) and adding a tail of new amino acids to the protein’s C-terminus, ending at a new stop codon (Ter/*) at position 33. Since the variant is present in the last exon, functional evidence is required to prove its pathogenicity. For these reasons, this variant has been classified as Uncertain Significance. In the absence of another reportable variant, the molecular diagnosis is not confirmed.